The following is an entry in ClinVar:

ClinVar aggregate classification (germline): Likely benign (1 of 4 stars; one submission).

Allele frequency attached by ClinVar (database versions not stated): gnomAD exomes below 0.00001; TOPMed below 0.00001; ExAC 0.00001.
gnomAD v4.1: 6 of 1,613,870 alleles (0.00037%); highest among the groups gnomAD compares: Non-Finnish European, 0.00051%; no homozygotes.

Submission:

CeGaT Center for Human Genetics Tuebingen
Classification: Likely benign. Last evaluated: 2024-02-01. Review status: criteria provided, single submitter. Criteria: CeGaT Center For Human Genetics Tuebingen Variant Classification Criteria Version 2. Collection method: clinical testing. Allele origin: germline. Affected: yes. Observed: 1 variant allele.
Comment: LARGE1: BP4, BP7

NM_133642.5(LARGE1):c.1314C>T (p.Asp438=)

Gene: LARGE1 (LARGE xylosyl- and glucuronyltransferase 1; minus strand). Cytogenetic location: 22q12.3.
Variant type: single nucleotide variant.
Coding change: c.1314C>T on transcript NM_133642.5 (MANE Select); coding-DNA position 1314, C replaced by T.
Protein change: p.Asp438=; no amino-acid change (aspartic acid 438 retained).
Molecular consequence: synonymous variant.
Genome position (GRCh38, 1-based): chr22:33,316,222, G>A on the plus strand (C>T on the coding strand, the complement: LARGE1 is on the minus strand). VCF-style: chr22-33316222-G-A. GRCh37 (hg19) VCF-style: chr22-33712208-G-A.
Other names: c.1314C>T, p.Asp438= (NM_001362949.2, NM_001362951.2, NM_001362953.2 and 6 more transcripts); c.1158C>T, p.Asp386= (NM_001378629.1); c.711C>T, p.Asp237= (NM_001378630.1); c.555C>T, p.Asp185= (NM_001378631.1).
Identifiers: ClinVar variation 3027075 (VCV003027075.22), dbSNP rs770523745, ClinGen allele CA10202779.
Genomic context (GRCh38, chr22:33,316,222, plus strand): 5'-CAGGTGGGTGCGGTGGACAGTGAAGCGCTCTCGCCGGAACTCATAGCACAGGTCGTCCTC[G>A]TCCAGCTCAGACAGCTGCTTCTGGAGCTGCAGGGTAGGAGAGAGGGCTTGGGCACGTGAA-3'
Protein context (NP_598397.1, residues 428-448): ENLQKQLSEL[Asp438=]EDDLCYEFRR